The following is an entry in ClinVar:

ClinVar aggregate classification (germline): Likely pathogenic (1 of 4 stars; one submission).

Conditions:
Primary ciliary dyskinesia 3. Identifiers: Orphanet 244, MedGen C1837618, MONDO:0012085, OMIM 608644.

Allele frequency attached by ClinVar (database versions not stated): gnomAD exomes below 0.00001.
gnomAD v4.1: 1 of 1,613,936 alleles (0.000062%); highest among the groups gnomAD compares: Non-Finnish European, 0.000085%; no homozygotes.

Submission:

Myriad Genetics, Inc.
Classification: Likely pathogenic for Primary ciliary dyskinesia 3. Last evaluated: 2022-05-26. Review status: criteria provided, single submitter. Criteria: Myriad Women's Health Autosomal Recessive and X-Linked Classification Criteria (2021). Collection method: clinical testing. Allele origin: unknown.
Comment: NM_001369.2(DNAH5):c.4018C>T(Q1340*) is expected to be pathogenic in the context of DNAH5-related primary ciliary dyskinesia. This variant is predicted to lead to an abnormal or absent protein product due to the creation of a premature termination codon in DNAH5, a gene where loss-of-function variants are known to be pathogenic. Please note: this variant was assessed in the context of healthy population screening.

NM_001369.3(DNAH5):c.4018C>T (p.Gln1340Ter)

Genes: DNAH5 (dynein axonemal heavy chain 5; minus strand), DNAH5-AS1 (DNAH5 antisense RNA 1; plus strand). Cytogenetic location: 5p15.2.
Variant type: single nucleotide variant.
Coding change: c.4018C>T on transcript NM_001369.3 (MANE Select); coding-DNA position 4018, C replaced by T.
Protein change: p.Gln1340Ter; replaces glutamine 1340 with a stop codon.
Molecular consequence: nonsense.
Genome position (GRCh38, 1-based): chr5:13,867,809, G>A on the plus strand (C>T on the coding strand, the complement: DNAH5 is on the minus strand). VCF-style: chr5-13867809-G-A. GRCh37 (hg19) VCF-style: chr5-13867918-G-A.
Other names: short protein forms Q1340*.
Identifiers: ClinVar variation 1726213 (VCV001726213.2), dbSNP rs2546988009, ClinGen allele CA359228348.